The following is an entry in ClinVar:

NM_000545.8(HNF1A):c.1716_1718del (p.Ala573del)

Gene: HNF1A (HNF1 homeobox A; plus strand). Cytogenetic location: 12q24.31.
Variant type: Deletion.
Coding change: c.1716_1718del on transcript NM_000545.8 (MANE Select); coding-DNA positions 1716 to 1718, 3 bases deleted (TGC; older notation c.1716_1718delTGC).
Protein change: p.Ala573del; deletes alanine 573.
Molecular consequence: inframe deletion. On other transcripts: inframe indel (1).
Genome position (GRCh38, 1-based): chr12:120,999,575-120,999,577, TGC deleted; deleting any 3 consecutive bases within chr12:120,999,574-120,999,577 gives the same sequence; the c. name uses the placement nearest the transcript's 3' end. VCF-style (leftmost placement, unchanged base first): chr12-120999573-CCTG-C. GRCh37 (hg19) VCF-style: chr12-121437376-CCTG-C.
Other names: c.1737_1739del, p.Ala580del (NM_001306179.2); c.1524_1526delTGC, p.Ala509del (NM_001406915.1); short protein forms A580del, A573del, A509del.
Identifiers: ClinVar variation 2028924 (VCV002028924.4), dbSNP rs2500010275, ClinGen allele CA2580085896.
Genomic context (GRCh38, chr12:120,999,573, plus strand): 5'-GAGTCCGGGCTTCACACGCCGGCATCTCAGGCCACCACCCTCCACGTCCCCAGCCAGGAC[CCTG>C]CCAGCATCCAGCACCTGCAGCCGGCCCACCGGCTCAGCGCCAGCCCCACAGGTGAGAGGC-3'

ClinVar aggregate classification (germline): Uncertain significance (1 of 4 stars; one submission).

Submission:

Labcorp Genetics (formerly Invitae), Labcorp
Classification: Uncertain significance. Last evaluated: 2022-09-03. Review status: criteria provided, single submitter. Criteria: Invitae Variant Classification Sherloc (09022015). Collection method: clinical testing. Allele origin: germline.
Comment: In summary, the available evidence is currently insufficient to determine the role of this variant in disease. Therefore, it has been classified as a Variant of Uncertain Significance. Experimental studies and prediction algorithms are not available or were not evaluated, and the functional significance of this variant is currently unknown. This variant has not been reported in the literature in individuals affected with HNF1A-related conditions. This variant is not present in population databases (gnomAD no frequency). This variant, c.1716_1718del, results in the deletion of 1 amino acid(s) of the HNF1A protein (p.Ala573del), but otherwise preserves the integrity of the reading frame.